The following is an entry in ClinVar:

NM_001465.6(FYB1):c.458C>T (p.Pro153Leu)

Gene: FYB1 (FYN binding protein 1; minus strand). Cytogenetic location: 5p13.1.
Variant type: single nucleotide variant.
Coding change: c.458C>T on transcript NM_001465.6 (MANE Select); coding-DNA position 458, C replaced by T.
Protein change: p.Pro153Leu; replaces proline 153 with leucine.
Molecular consequence: missense variant.
Genome position (GRCh38, 1-based): chr5:39,202,503, G>A on the plus strand (C>T on the coding strand, the complement: FYB1 is on the minus strand). VCF-style: chr5-39202503-G-A. GRCh37 (hg19) VCF-style: chr5-39202605-G-A.
Other names: p.Pro153Leu; c.488C>T, p.Pro163Leu (NM_001243093.2, NM_018594.2); c.458C>T, p.Pro153Leu (NM_001349333.2, NM_199335.5); c.488C>T (NM_001243093.1); short protein forms P153L, P163L.
Identifiers: ClinVar variation 3379589 (VCV003379589.2).
Genomic context (GRCh38, chr5:39,202,503, plus strand): 5'-AATTTGGGAAACGCTTGCTTCTGTTCATTTTCTGAGGTTGGAGGAGTAGGCCCAGATTTC[G>A]GGCCTAGTGGCTTTAAGTCATGGTCTTGGTTTACACTGTGAAGAGATGGCTTGTTTCCAG-3'
Protein context (NP_001456.3, residues 143-163): NQDHDLKPLG[Pro153Leu]KSGPTPPTSE

ClinVar aggregate classification (germline): Uncertain significance. Review status: criteria provided, multiple submitters, no conflicts (2 of 4 stars). 2 submissions from 2 submitters: Uncertain significance (2). Last evaluated 2025-07-22.

Conditions:
FYB1-related disorder. Also called: FYB1-related condition.

gnomAD v4.1: 155 of 1,613,800 alleles (0.0096%); highest among the groups gnomAD compares: African/African-American, 0.0027%; no homozygotes.

Submissions (2):

PreventionGenetics, part of Exact Sciences
Classification: Uncertain significance for FYB1-related condition. Last evaluated: 2025-07-22. Review status: criteria provided, single submitter. Criteria: ACMG Guidelines, 2015. Collection method: clinical testing. Allele origin: germline.
Comment: The FYB1 c.488C>T variant is predicted to result in the amino acid substitution p.Pro163Leu. To our knowledge, this variant has not been reported in the literature. This variant is reported in 0.28% of alleles in individuals of Ashkenazi Jewish descent in gnomAD, which may be too common to be causative. Although we suspect that this variant may be benign, at this time, the clinical significance of this variant is uncertain due to the absence of conclusive functional and genetic evidence.

Mayo Clinic Laboratories, Mayo Clinic
Classification: Uncertain significance. Last evaluated: 2024-08-12. Review status: criteria provided, single submitter. Criteria: ACMG Guidelines, 2015. Collection method: clinical testing. Allele origin: germline. Observed: 1 variant allele.
Comment: BP4